The following is an entry in ClinVar:

NM_015021.3(ZNF292):c.1270A>G (p.Ile424Val)

Gene: ZNF292 (zinc finger protein 292; plus strand). Cytogenetic location: 6q14.3.
Variant type: single nucleotide variant.
Coding change: c.1270A>G on transcript NM_015021.3 (MANE Select); coding-DNA position 1270, A replaced by G.
Protein change: p.Ile424Val; replaces isoleucine 424 with valine.
Molecular consequence: missense variant.
Genome position (GRCh38, 1-based): chr6:87,254,899, A>G. VCF-style: chr6-87254899-A-G. GRCh37 (hg19) VCF-style: chr6-87964617-A-G.
Other names: c.850A>G, p.Ile284Val (NM_001351444.2); short protein forms I284V, I424V.
Identifiers: ClinVar variation 1318541 (VCV001318541.2), dbSNP rs1775128550, ClinGen allele CA364908670.

ClinVar aggregate classification (germline): Uncertain significance (1 of 4 stars; one submission).

Allele frequency attached by ClinVar (database versions not stated): TOPMed 0.00001.

Submission:

GeneDx
Classification: Uncertain significance. Last evaluated: 2019-05-18. Review status: criteria provided, single submitter. Criteria: GeneDx Variant Classification Process June 2021. Collection method: clinical testing. Allele origin: germline. Affected: yes.
Comment: Not observed in large population cohorts (Lek et al., 2016); In silico analysis, which includes protein predictors and evolutionary conservation, supports that this variant does not alter protein structure/function; Has not been previously published as pathogenic or benign to our knowledge; Variants in candidate genes are classified as variants of uncertain significance in accordance with ACMG guidelines (Richards et al., 2015)